The following is an entry in ClinVar:

NM_001079.4(ZAP70):c.1190A>G (p.Tyr397Cys)

Gene: ZAP70 (zeta chain of T cell receptor associated protein kinase 70; plus strand). Cytogenetic location: 2q11.2.
Variant type: single nucleotide variant.
Coding change: c.1190A>G on transcript NM_001079.4 (MANE Select); coding-DNA position 1190, A replaced by G.
Protein change: p.Tyr397Cys; replaces tyrosine 397 with cysteine.
Molecular consequence: missense variant.
Genome position (GRCh38, 1-based): chr2:97,735,357, A>G. VCF-style: chr2-97735357-A-G. GRCh37 (hg19) VCF-style: chr2-98351820-A-G.
Other names: c.1190A>G, p.Tyr397Cys (NM_001378594.1); c.269A>G, p.Tyr90Cys (NM_207519.2); short protein forms Y397C, Y90C.
Identifiers: ClinVar variation 642687 (VCV000642687.6), dbSNP rs200097002, ClinGen allele CA1790392.

ClinVar aggregate classification (germline): Uncertain significance. Review status: criteria provided, multiple submitters, no conflicts (2 of 4 stars). 2 submissions from 2 submitters: Uncertain significance (2). Last evaluated 2024-10-22.

Conditions:
Inborn genetic diseases. Identifiers: MedGen C0950123, MeSH D030342.
Combined immunodeficiency due to ZAP70 deficiency (IMD48). Also called: Immunodeficiency 48; ZAP70 Deficiency. Identifiers: Orphanet 911, MedGen C2931299, MONDO:0010023, OMIM 269840.

Allele frequency attached by ClinVar (database versions not stated): gnomAD exomes 0.00002; gnomAD 0.00002 and 0.00003; TOPMed 0.00002; ExAC 0.00001.
gnomAD v4.1: 29 of 1,614,018 alleles (0.0018%); highest among the groups gnomAD compares: Non-Finnish European, 0.0023%; no homozygotes.

Submissions (2):

Labcorp Genetics (formerly Invitae), Labcorp
Classification: Uncertain significance for Combined immunodeficiency due to ZAP70 deficiency. Last evaluated: 2024-10-22. Review status: criteria provided, single submitter. Criteria: Invitae Variant Classification Sherloc (09022015). Collection method: clinical testing. Allele origin: germline.
Comment: This sequence change replaces tyrosine, which is neutral and polar, with cysteine, which is neutral and slightly polar, at codon 397 of the ZAP70 protein (p.Tyr397Cys). This variant is present in population databases (rs200097002, gnomAD 0.005%). This variant has not been reported in the literature in individuals affected with ZAP70-related conditions. ClinVar contains an entry for this variant (Variation ID: 642687). An algorithm developed to predict the effect of missense changes on protein structure and function (PolyPhen-2) suggests that this variant is likely to be disruptive. In summary, the available evidence is currently insufficient to determine the role of this variant in disease. Therefore, it has been classified as a Variant of Uncertain Significance.

Ambry Genetics
Classification: Uncertain significance for Inborn genetic diseases. Last evaluated: 2021-11-09. Review status: criteria provided, single submitter. Criteria: Ambry Variant Classification Scheme 2023. Collection method: clinical testing. Allele origin: germline.